The following is an entry in ClinVar:

NM_001243279.3(ACSF3):c.1296del (p.Arg434fs)

Gene: ACSF3 (acyl-CoA synthetase family member 3; plus strand). Cytogenetic location: 16q24.3.
Variant type: Deletion.
Coding change: c.1296del on transcript NM_001243279.3 (MANE Select); coding-DNA position 1296, one base deleted (G; older notation c.1296delG).
Protein change: p.Arg434fs; shifts the reading frame from arginine 434.
Molecular consequence: frameshift variant. On other transcripts: non-coding transcript variant (3).
Genome position (GRCh38, 1-based): chr16:89,133,192, G deleted. VCF-style (leftmost placement, unchanged base first): chr16-89133191-TG-T. GRCh37 (hg19) VCF-style: chr16-89199599-TG-T.
Other names: c.1296del, p.Arg434fs (NM_001127214.4, NM_174917.5); c.501del, p.Arg169fs (NM_001284316.2); c.1296delG (NM_174917.5); short protein forms R169fs, R434fs.
Identifiers: ClinVar variation 1070125 (VCV001070125.10), dbSNP rs764608253, ClinGen allele CA8238097.

ClinVar aggregate classification (germline): Pathogenic/Likely pathogenic. Review status: criteria provided, multiple submitters, no conflicts (2 of 4 stars). 3 submissions from 3 submitters: Pathogenic (2); Likely pathogenic (1). Last evaluated 2024-02-15.

Conditions:
Combined malonic and methylmalonic acidemia. Identifiers: Orphanet 289504, MedGen C3280314, MONDO:0013661, OMIM 614265.

Allele frequency attached by ClinVar (database versions not stated): gnomAD exomes below 0.00001; TOPMed below 0.00001; ExAC 0.00001.

Submissions (3):

Women's Health and Genetics/Laboratory Corporation of America, LabCorp
Classification: Pathogenic for Combined malonic and methylmalonic acidemia. Last evaluated: 2024-02-15. Review status: criteria provided, single submitter. Criteria: LabCorp Variant Classification Summary - May 2015. Collection method: clinical testing. Allele origin: germline.
Comment: Variant summary: ACSF3 c.1296delG (p.Arg434GlufsX71) results in a premature termination codon, predicted to cause a truncation of the encoded protein or absence of the protein due to nonsense mediated decay, which are commonly known mechanisms for disease. The variant allele was found at a frequency of 4e-06 in 251434 control chromosomes. To our knowledge, no occurrence of c.1296delG in individuals affected with Combined Malonic And Methylmalonic Aciduria and no experimental evidence demonstrating its impact on protein function have been reported. ClinVar contains an entry for this variant (Variation ID: 1070125). Based on the evidence outlined above, the variant was classified as pathogenic.

Baylor Genetics
Classification: Likely pathogenic for Combined malonic and methylmalonic acidemia. Last evaluated: 2023-09-28. Review status: criteria provided, single submitter. Criteria: ACMG Guidelines, 2015. Collection method: clinical testing. Allele origin: unknown.

Labcorp Genetics (formerly Invitae), Labcorp
Classification: Pathogenic for Combined malonic and methylmalonic acidemia. Last evaluated: 2022-11-08. Review status: criteria provided, single submitter. Criteria: Invitae Variant Classification Sherloc (09022015). Collection method: clinical testing. Allele origin: germline.
Comment: This variant is present in population databases (rs764608253, gnomAD 0.003%). For these reasons, this variant has been classified as Pathogenic. ClinVar contains an entry for this variant (Variation ID: 1070125). This variant has not been reported in the literature in individuals affected with ACSF3-related conditions. This sequence change creates a premature translational stop signal (p.Arg434Glufs*71) in the ACSF3 gene. It is expected to result in an absent or disrupted protein product. Loss-of-function variants in ACSF3 are known to be pathogenic (PMID: 21841779, 26827111).

Literature cited by the submitters: PubMed 21841779 (cited by Labcorp Genetics (formerly Invitae), Labcorp); PubMed 26827111 (cited by Labcorp Genetics (formerly Invitae), Labcorp).